The following is an entry in ClinVar:

ClinVar aggregate classification (germline): Uncertain significance (1 of 4 stars; one submission).

Allele frequency attached by ClinVar (database versions not stated): TOPMed 0.00001; gnomAD 0.00002.
gnomAD v4.1: 27 of 1,449,934 alleles (0.0019%); highest among the groups gnomAD compares: Admixed American, 0.013%; no homozygotes.

Submission:

Labcorp Genetics (formerly Invitae), Labcorp
Classification: Uncertain significance. Last evaluated: 2022-09-07. Review status: criteria provided, single submitter. Criteria: Invitae Variant Classification Sherloc (09022015). Collection method: clinical testing. Allele origin: germline.
Comment: This variant has not been reported in the literature in individuals affected with APC2-related conditions. This sequence change replaces alanine, which is neutral and non-polar, with serine, which is neutral and polar, at codon 2141 of the APC2 protein (p.Ala2141Ser). This variant is present in population databases (no rsID available, gnomAD 0.03%). Algorithms developed to predict the effect of missense changes on protein structure and function output the following: SIFT: "Tolerated"; PolyPhen-2: "Benign"; Align-GVGD: "Class C0". The serine amino acid residue is found in multiple mammalian species, which suggests that this missense change does not adversely affect protein function. In summary, the available evidence is currently insufficient to determine the role of this variant in disease. Therefore, it has been classified as a Variant of Uncertain Significance.

NM_005883.3(APC2):c.6421G>T (p.Ala2141Ser)

Gene: APC2 (APC regulator of Wnt signaling pathway 2; plus strand). Cytogenetic location: 19p13.3.
Variant type: single nucleotide variant.
Coding change: c.6421G>T on transcript NM_005883.3 (MANE Select); coding-DNA position 6421, G replaced by T.
Protein change: p.Ala2141Ser; replaces alanine 2141 with serine.
Molecular consequence: missense variant.
Genome position (GRCh38, 1-based): chr19:1,469,722, G>T. VCF-style: chr19-1469722-G-T. GRCh37 (hg19) VCF-style: chr19-1469721-G-T.
Other names: c.6418G>T, p.Ala2140Ser (NM_001351273.1); short protein forms A2141S, A2140S.
Identifiers: ClinVar variation 2191181 (VCV002191181.4), dbSNP rs1187048516, ClinGen allele CA403043607.
Genomic context (GRCh38, chr19:1,469,722, plus strand): 5'-TCAGCCGACGCCGCGCGCCGCAGCAGCGACGGGGAGCCCCGGCCGCTCCCCAGGGTGGCC[G>T]CGCCGGGCACGACCTGGCGGCGCATCCGAGATGAGGACGTGCCCCACATCCTGCGCAGCA-3'
Protein context (NP_005874.1, residues 2131-2151): GEPRPLPRVA[Ala2141Ser]PGTTWRRIRD